The following is an entry in ClinVar:

NM_019066.5(MAGEL2):c.3745C>G (p.Arg1249Gly)

Gene: MAGEL2 (MAGE family member L2; minus strand). Cytogenetic location: 15q11.2.
Variant type: single nucleotide variant.
Coding change: c.3745C>G on transcript NM_019066.5 (MANE Select); coding-DNA position 3745, C replaced by G.
Protein change: p.Arg1249Gly; replaces arginine 1249 with glycine.
Molecular consequence: missense variant.
Genome position (GRCh38, 1-based): chr15:23,643,998, G>C on the plus strand (C>G on the coding strand, the complement: MAGEL2 is on the minus strand). VCF-style: chr15-23643998-G-C. GRCh37 (hg19) VCF-style: chr15-23889145-G-C.
Other names: short protein forms R1249G.
Identifiers: ClinVar variation 2959687 (VCV002959687.3), dbSNP rs769676927, ClinGen allele CA7429643.

ClinVar aggregate classification (germline): Uncertain significance (1 of 4 stars; one submission).

gnomAD v4.1: 5 of 1,592,552 alleles (0.00031%); highest among the groups gnomAD compares: Non-Finnish European, 0.00043%; no homozygotes.

Submission:

Labcorp Genetics (formerly Invitae), Labcorp
Classification: Uncertain significance. Last evaluated: 2025-05-20. Review status: criteria provided, single submitter. Criteria: Invitae Variant Classification Sherloc (09022015). Collection method: clinical testing. Allele origin: germline.
Comment: This sequence change replaces arginine, which is basic and polar, with glycine, which is neutral and non-polar, at codon 1249 of the MAGEL2 protein (p.Arg1249Gly). This variant is present in population databases (rs769676927, gnomAD 0.002%). This variant has not been reported in the literature in individuals affected with MAGEL2-related conditions. ClinVar contains an entry for this variant (Variation ID: 2959687). Experimental studies and prediction algorithms are not available or were not evaluated, and the functional significance of this variant is currently unknown. In summary, the available evidence is currently insufficient to determine the role of this variant in disease. Therefore, it has been classified as a Variant of Uncertain Significance.